The following is an entry in ClinVar:

NM_001304.5(CPD):c.1380G>A (p.Arg460=)

Gene: CPD (carboxypeptidase D; plus strand). Cytogenetic location: 17q11.2.
Variant type: single nucleotide variant.
Coding change: c.1380G>A on transcript NM_001304.5 (MANE Select); coding-DNA position 1380, G replaced by A.
Protein change: p.Arg460=; no amino-acid change (arginine 460 retained).
Molecular consequence: synonymous variant.
Genome position (GRCh38, 1-based): chr17:30,422,746, G>A. VCF-style: chr17-30422746-G-A. GRCh37 (hg19) VCF-style: chr17-28749764-G-A.
Other names: c.639G>A, p.Arg213= (NM_001199775.1).
Identifiers: ClinVar variation 2647624 (VCV002647624.24), dbSNP rs117331885, ClinGen allele CA8481578.

ClinVar aggregate classification (germline): Likely benign (1 of 4 stars; one submission).

Allele frequency attached by ClinVar (database versions not stated): ExAC 0.00546; ESP Exome Variant Server 0.00684; 1000 Genomes Project 0.00339; 1000 Genomes Project 30x 0.00359; TOPMed 0.00483; gnomAD 0.00494; gnomAD exomes 0.00736.
gnomAD v4.1: 11,445 of 1,613,858 alleles (0.71%); highest among the groups gnomAD compares: Non-Finnish European, 0.86%; 57 homozygotes.

Submission:

CeGaT Center for Human Genetics Tuebingen
Classification: Likely benign. Last evaluated: 2022-05-01. Review status: criteria provided, single submitter. Criteria: CeGaT Center For Human Genetics Tuebingen Variant Classification Criteria Version 2. Collection method: clinical testing. Allele origin: germline. Affected: yes. Observed: 1 variant allele.
Comment: CPD: BP4, BP7